The following is an entry in ClinVar:

ClinVar aggregate classification (germline): Uncertain significance. Review status: criteria provided, multiple submitters, no conflicts (2 of 4 stars). 5 submissions from 5 submitters: Uncertain significance (5). Last evaluated 2025-10-07.

Conditions:
Ataxia-telangiectasia syndrome (AT). Also called: LOUIS-BAR SYNDROME; Cerebello-oculocutaneous telangiectasia; Immunodeficiency with ataxia telangiectasia; AT, COMPLEMENTATION GROUP C; Ataxia-telangiectasia, complementation group D; ATAXIA-TELANGIECTASIA, COMPLEMENTATION GROUP A. Identifiers: Orphanet 100, MedGen C0004135, MONDO:0008840, OMIM 208900.
Familial cancer of breast. Also called: BREAST CANCER, FAMILIAL; Hereditary breast cancer; hereditary breast carcinoma. Identifiers: Orphanet 227535, MedGen C0346153, MONDO:0016419, OMIM 114480. Disease mechanism: loss of function.
Hereditary cancer-predisposing syndrome. Also called: Hereditary neoplastic syndrome; Neoplastic Syndromes, Hereditary; Tumor predisposition; Hereditary Cancer Syndrome. Identifiers: Orphanet 140162, MedGen C0027672, MeSH D009386, MONDO:0015356.

Submissions (5):

Labcorp Genetics (formerly Invitae), Labcorp
Classification: Uncertain significance for Ataxia-telangiectasia syndrome. Last evaluated: 2025-10-07. Review status: criteria provided, single submitter. Criteria: Invitae Variant Classification Sherloc (09022015). Collection method: clinical testing. Allele origin: germline.
Comment: This sequence change replaces arginine, which is basic and polar, with glycine, which is neutral and non-polar, at codon 184 of the ATM protein (p.Arg184Gly). This variant is not present in population databases (gnomAD no frequency). This variant has not been reported in the literature in individuals affected with ATM-related conditions. ClinVar contains an entry for this variant (Variation ID: 481315). Invitae Evidence Modeling of protein sequence and biophysical properties (such as structural, functional, and spatial information, amino acid conservation, physicochemical variation, residue mobility, and thermodynamic stability) indicates that this missense variant is not expected to disrupt ATM protein function with a negative predictive value of 95%. In summary, the available evidence is currently insufficient to determine the role of this variant in disease. Therefore, it has been classified as a Variant of Uncertain Significance.

Center for Genomic Medicine, Rigshospitalet, Copenhagen University Hospital
Classification: Uncertain significance. Last evaluated: 2025-03-04. Review status: criteria provided, single submitter. Criteria: ACMG Guidelines, 2015. Collection method: clinical testing. Allele origin: germline.

Ambry Genetics
Classification: Uncertain significance for Hereditary cancer-predisposing syndrome. Last evaluated: 2025-01-23. Review status: criteria provided, single submitter. Criteria: Ambry Variant Classification Scheme 2023. Collection method: clinical testing. Allele origin: germline.
Comment: The p.R184G variant (also known as c.550A>G), located in coding exon 5 of the ATM gene, results from an A to G substitution at nucleotide position 550. The arginine at codon 184 is replaced by glycine, an amino acid with dissimilar properties. This amino acid position is highly conserved in available vertebrate species. In addition, the in silico prediction for this alteration is inconclusive. Based on the available evidence, the clinical significance of this variant remains unclear.

GeneDx
Classification: Uncertain significance. Last evaluated: 2024-06-27. Review status: criteria provided, single submitter. Criteria: GeneDx Variant Classification Process June 2021. Collection method: clinical testing. Allele origin: germline. Affected: yes.
Comment: Not observed at significant frequency in large population cohorts (gnomAD); In silico analysis supports that this missense variant has a deleterious effect on protein structure/function; Has not been previously published as pathogenic or benign to our knowledge

Fulgent Genetics
Classification: Uncertain significance for Familial cancer of breast; Ataxia-telangiectasia syndrome. Last evaluated: 2024-03-16. Review status: criteria provided, single submitter. Criteria: ACMG Guidelines, 2015. Collection method: clinical testing. Allele origin: germline.

NM_000051.4(ATM):c.550A>G (p.Arg184Gly)

Gene: ATM (ATM serine/threonine kinase; plus strand). Cytogenetic location: 11q22.3.
Variant type: single nucleotide variant.
Coding change: c.550A>G on transcript NM_000051.4 (MANE Select); coding-DNA position 550, A replaced by G.
Protein change: p.Arg184Gly; replaces arginine 184 with glycine.
Molecular consequence: missense variant.
Genome position (GRCh38, 1-based): chr11:108,244,006, A>G. VCF-style: chr11-108244006-A-G. GRCh37 (hg19) VCF-style: chr11-108114733-A-G.
Other names: c.550A>G, p.Arg184Gly (NM_001351834.2); short protein forms R184G.
Identifiers: ClinVar variation 481315 (VCV000481315.14), dbSNP rs1555066377, ClinGen allele CA382527695.
Genomic context (GRCh38, chr11:108,244,006, plus strand): 5'-TTTTAAGAATTGTTCTCTGTGTACTTCAGGCTCTATCTGAAACCTTCACAAGATGTTCAT[A>G]GAGTTTTAGTGGCTAGAATAATTCATGCTGTTACCAAAGGATGCTGTTCTCAGACTGACG-3'
Protein context (NP_000042.3, residues 174-194): LYLKPSQDVH[Arg184Gly]VLVARIIHAV